The following is an entry in ClinVar:

NM_001928.4(CFD):c.571G>C (p.Glu191Gln)

Gene: CFD (complement factor D; plus strand). Cytogenetic location: 19p13.3.
Variant type: single nucleotide variant.
Coding change: c.571G>C on transcript NM_001928.4 (MANE Select); coding-DNA position 571, G replaced by C.
Protein change: p.Glu191Gln; replaces glutamic acid 191 with glutamine.
Molecular consequence: missense variant.
Genome position (GRCh38, 1-based): chr19:861,912, G>C. VCF-style: chr19-861912-G-C. GRCh37 (hg19) VCF-style: chr19-861912-G-C.
Other names: c.592G>C, p.Glu198Gln (NM_001317335.2); short protein forms E191Q, E198Q.
Identifiers: ClinVar variation 2171069 (VCV002171069.3), dbSNP rs776791472, ClinGen allele CA9026402.

ClinVar aggregate classification (germline): Uncertain significance (1 of 4 stars; one submission).

Allele frequency attached by ClinVar (database versions not stated): TOPMed 0.00001; ExAC 0.00003.
gnomAD v4.1: 21 of 1,573,500 alleles (0.0013%); highest among the groups gnomAD compares: South Asian, 0.0068%; no homozygotes.

Submission:

Labcorp Genetics (formerly Invitae), Labcorp
Classification: Uncertain significance. Last evaluated: 2023-10-05. Review status: criteria provided, single submitter. Criteria: Invitae Variant Classification Sherloc (09022015). Collection method: clinical testing. Allele origin: germline.
Comment: This sequence change replaces glutamic acid, which is acidic and polar, with glutamine, which is neutral and polar, at codon 191 of the CFD protein (p.Glu191Gln). This variant is present in population databases (rs776791472, gnomAD 0.008%). This variant has not been reported in the literature in individuals affected with CFD-related conditions. ClinVar contains an entry for this variant (Variation ID: 2171069). Algorithms developed to predict the effect of missense changes on protein structure and function output the following: SIFT: "Not Available"; PolyPhen-2: "Benign"; Align-GVGD: "Not Available". The glutamine amino acid residue is found in multiple mammalian species, which suggests that this missense change does not adversely affect protein function. In summary, the available evidence is currently insufficient to determine the role of this variant in disease. Therefore, it has been classified as a Variant of Uncertain Significance.